The following is an entry in ClinVar:

NM_033100.4(CDHR1):c.853C>T (p.Leu285Phe)

Gene: CDHR1 (cadherin related family member 1; plus strand). Cytogenetic location: 10q23.1.
Variant type: single nucleotide variant.
Coding change: c.853C>T on transcript NM_033100.4 (MANE Select); coding-DNA position 853, C replaced by T.
Protein change: p.Leu285Phe; replaces leucine 285 with phenylalanine.
Molecular consequence: missense variant.
Genome position (GRCh38, 1-based): chr10:84,204,596, C>T. VCF-style: chr10-84204596-C-T. GRCh37 (hg19) VCF-style: chr10-85964352-C-T.
Other names: c.853C>T, p.Leu285Phe (NM_001171971.3); short protein forms L285F.
Identifiers: ClinVar variation 1970662 (VCV001970662.4), dbSNP rs779967616, ClinGen allele CA5579731.
Genomic context (GRCh38, chr10:84,204,596, plus strand): 5'-GTACTGAAGGTGGTCGCCATGGATGGAGACCGGGGCAAACCCAATCGAATTCTCTACAGC[C>T]TTGTAAATGGTGAGTCTGAGCAGCTTTGGGGGCTGCAGCTTTGACTCTCTAGGTGACCAG-3'
Protein context (NP_149091.1, residues 275-295): RGKPNRILYS[Leu285Phe]VNGNDGAFEI

ClinVar aggregate classification (germline): Uncertain significance (1 of 4 stars; one submission).

Allele frequency attached by ClinVar (database versions not stated): gnomAD exomes below 0.00001; ExAC 0.00001; TOPMed 0.00003; gnomAD 0.00006.
gnomAD v4.1: 14 of 1,611,964 alleles (0.00087%); highest among the groups gnomAD compares: Admixed American, 0.015%; no homozygotes.

Submission:

Labcorp Genetics (formerly Invitae), Labcorp
Classification: Uncertain significance. Last evaluated: 2022-06-27. Review status: criteria provided, single submitter. Criteria: Invitae Variant Classification Sherloc (09022015). Collection method: clinical testing. Allele origin: germline.
Comment: This sequence change replaces leucine, which is neutral and non-polar, with phenylalanine, which is neutral and non-polar, at codon 285 of the CDHR1 protein (p.Leu285Phe). This variant is present in population databases (rs779967616, gnomAD 0.007%). This variant has not been reported in the literature in individuals affected with CDHR1-related conditions. Advanced modeling of protein sequence and biophysical properties (such as structural, functional, and spatial information, amino acid conservation, physicochemical variation, residue mobility, and thermodynamic stability) performed at Invitae indicates that this missense variant is not expected to disrupt CDHR1 protein function. In summary, the available evidence is currently insufficient to determine the role of this variant in disease. Therefore, it has been classified as a Variant of Uncertain Significance.